The following is an entry in ClinVar:

ClinVar aggregate classification (germline): Uncertain significance. Review status: criteria provided, multiple submitters, no conflicts (2 of 4 stars). 2 submissions from 2 submitters: Uncertain significance (2). Last evaluated 2025-03-27.

Conditions:
Hereditary cancer-predisposing syndrome. Also called: Hereditary neoplastic syndrome; Tumor predisposition; Neoplastic Syndromes, Hereditary; Hereditary Cancer Syndrome. Identifiers: Orphanet 140162, MedGen C0027672, MeSH D009386, MONDO:0015356.
Neuroblastoma, susceptibility to, 3. Also called: ALK-Related Neuroblastic Tumor Susceptibility. Identifiers: Orphanet 635, MedGen C2751681, MONDO:0013083, OMIM 613014.

gnomAD v4.1: 10 of 1,614,142 alleles (0.00062%); highest among the groups gnomAD compares: South Asian, 0.0011%; no homozygotes.

Submissions (2):

Labcorp Genetics (formerly Invitae), Labcorp
Classification: Uncertain significance for Neuroblastoma, susceptibility to, 3. Last evaluated: 2025-03-27. Review status: criteria provided, single submitter. Criteria: Invitae Variant Classification Sherloc (09022015). Collection method: clinical testing. Allele origin: germline.
Comment: This sequence change replaces proline, which is neutral and non-polar, with leucine, which is neutral and non-polar, at codon 1390 of the ALK protein (p.Pro1390Leu). This variant is present in population databases (no rsID available, gnomAD 0.003%). This variant has not been reported in the literature in individuals affected with ALK-related conditions. ClinVar contains an entry for this variant (Variation ID: 2415731). An algorithm developed to predict the effect of missense changes on protein structure and function (PolyPhen-2) suggests that this variant is likely to be disruptive. In summary, the available evidence is currently insufficient to determine the role of this variant in disease. Therefore, it has been classified as a Variant of Uncertain Significance.

Ambry Genetics
Classification: Uncertain significance for Hereditary cancer-predisposing syndrome. Last evaluated: 2024-12-12. Review status: criteria provided, single submitter. Criteria: Ambry Variant Classification Scheme 2023. Collection method: clinical testing. Allele origin: germline.
Comment: The p.P1390L variant (also known as c.4169C>T), located in coding exon 29 of the ALK gene, results from a C to T substitution at nucleotide position 4169. The proline at codon 1390 is replaced by leucine, an amino acid with similar properties. This amino acid position is conserved. In addition, the in silico prediction for this alteration is inconclusive. Based on the available evidence, the clinical significance of this variant remains unclear.

NM_004304.5(ALK):c.4169C>T (p.Pro1390Leu)

Gene: ALK (ALK receptor tyrosine kinase; minus strand). Cytogenetic location: 2p23.2.
Variant type: single nucleotide variant.
Coding change: c.4169C>T on transcript NM_004304.5 (MANE Select); coding-DNA position 4169, C replaced by T.
Protein change: p.Pro1390Leu; replaces proline 1390 with leucine.
Molecular consequence: missense variant.
Genome position (GRCh38, 1-based): chr2:29,193,918, G>A on the plus strand (C>T on the coding strand, the complement: ALK is on the minus strand). VCF-style: chr2-29193918-G-A. GRCh37 (hg19) VCF-style: chr2-29416784-G-A.
Other names: c.4169C>T (NM_004304.4); c.965C>T, p.Pro322Leu (NM_001353765.2); short protein forms P1390L, P322L.
Identifiers: ClinVar variation 2415731 (VCV002415731.7), dbSNP rs1293906412, ClinGen allele CA346463643.
Genomic context (GRCh38, chr2:29,193,918, plus strand): 5'-TTCTCTTCCTCTTCCACAAGTGGACCATATTCTATCGGCAAAGCGGTGTTGATTACATCC[G>A]GGTCCTGCCGTAGGGGAAATTATTAAAACTTTGAATCAGAGACAAAAAATGTTGGATCTA-3'
Protein context (NP_004295.2, residues 1380-1400): LERIEYCTQD[Pro1390Leu]DVINTALPIE